The following is an entry in ClinVar:

NM_002941.4(ROBO1):c.1420C>T (p.Leu474Phe)

Gene: ROBO1 (roundabout guidance receptor 1; minus strand). Cytogenetic location: 3p12.3.
Variant type: single nucleotide variant.
Coding change: c.1420C>T on transcript NM_002941.4 (MANE Select); coding-DNA position 1420, C replaced by T.
Protein change: p.Leu474Phe; replaces leucine 474 with phenylalanine.
Molecular consequence: missense variant.
Genome position (GRCh38, 1-based): chr3:78,670,224, G>A on the plus strand (C>T on the coding strand, the complement: ROBO1 is on the minus strand). VCF-style: chr3-78670224-G-A. GRCh37 (hg19) VCF-style: chr3-78719374-G-A.
Other names: c.1312C>T, p.Leu438Phe (NM_001145845.2, NM_133631.4); short protein forms L438F, L474F.
Identifiers: ClinVar variation 995986 (VCV000995986.1), dbSNP rs1707986653, ClinGen allele CA353671579.

ClinVar aggregate classification (germline): Uncertain significance (1 of 4 stars; one submission).

Conditions:
Abnormal heart morphology. Also called: Abnormality of cardiac morphology; Heart, malformation of. Identifiers: MedGen C0018798, MeSH D006330, HP:0001627.

Submission:

Institute of Human Genetics, University of Leipzig Medical Center
Classification: Uncertain significance for Abnormal heart morphology. Last evaluated: 2021-01-09. Review status: criteria provided, single submitter. Criteria: ACMG Guidelines, 2015. Collection method: curation. Allele origin: germline. Affected: yes.
Comment: This variant was reported as 3:78719374 ROBO1 c.1420C>T L474F ENST00000464233 in an individual (Nicolaou_ROBO1_Individual3) with PUV (PMID: 26489027 (nicolaou2016)). Inheritance was reported as dominant (heterozygous) (NA). The variant was reviewed according to current ACMG recommendations and classified as Uncertain Significance (criteria: PM2_Supporting, PP3_Supporting) at the variant level; the gene-disease association is currently not established in curated databases.

Literature cited by the submitters: PubMed 26489027.